The following is an entry in ClinVar:

ClinVar aggregate classification (germline): Likely benign. Review status: criteria provided, multiple submitters, no conflicts (2 of 4 stars). 2 submissions from 2 submitters: Likely benign (2). Last evaluated 2026-07-01.

Conditions:
Glycogen storage disease, type II (IOPD). Also called: Glycogen storage disease type 2; Acid maltase deficiency disease; Aglucosidase alfa; Deficiency of alpha-glucosidase; Deficiency of lysosomal alpha-glucosidase; POMPE DISEASE, INFANTILE-ONSET. Identifiers: Orphanet 365, MedGen C0017921, MONDO:0009290, OMIM 232300.

Submissions (2):

Genomenon, Inc
Classification: Likely benign for Glycogen storage disease, type II. Last evaluated: 2026-07-01. Review status: criteria provided, single submitter. Criteria: Genomenon Sequence Variant Interpretation Standards - Updated. Collection method: curation. Allele origin: germline. Affected: no.
Comment: GAA c.1143C>G is a synonymous variant that retains Threonine at codon 381. This variant has been reported in the published literature (PMID:34922579). It is absent or not present at a significant frequency in gnomAD. This variant is not predicted to impact splicing. In conclusion, we classify GAA c.1143C>G (p.Thr381=) as a likely benign variant.

Labcorp Genetics (formerly Invitae), Labcorp
Classification: Likely benign for Glycogen storage disease, type II. Last evaluated: 2024-11-16. Review status: criteria provided, single submitter. Criteria: Invitae Variant Classification Sherloc (09022015). Collection method: clinical testing. Allele origin: germline.

Literature cited by the submitters: PubMed 34922579 (cited by Genomenon, Inc).

NM_000152.5(GAA):c.1143C>G (p.Thr381=)

Gene: GAA (alpha glucosidase; plus strand). Cytogenetic location: 17q25.3.
Variant type: single nucleotide variant.
Coding change: c.1143C>G on transcript NM_000152.5 (MANE Select); coding-DNA position 1143, C replaced by G.
Protein change: p.Thr381=; no amino-acid change (threonine 381 retained).
Molecular consequence: synonymous variant.
Genome position (GRCh38, 1-based): chr17:80,108,556, C>G. VCF-style: chr17-80108556-C-G. GRCh37 (hg19) VCF-style: chr17-78082355-C-G.
Other names: c.1143C>G, p.Thr381= (NM_001079803.3, NM_001079804.3, NM_001406741.1 and 1 more transcripts).
Identifiers: ClinVar variation 3673546 (VCV003673546.3).